The following is an entry in ClinVar:

ClinVar aggregate classification (germline): Uncertain significance (1 of 4 stars; one submission).

Submission:

GeneDx
Classification: Uncertain significance. Last evaluated: 2024-02-02. Review status: criteria provided, single submitter. Criteria: GeneDx Variant Classification Process June 2021. Collection method: clinical testing. Allele origin: germline. Affected: yes.
Comment: In silico analysis supports that this missense variant has a deleterious effect on protein structure/function; In silico analysis suggests this variant may impact gene splicing. In the absence of RNA/functional studies, the actual effect of this sequence change is unknown.; Has not been previously published as pathogenic or benign to our knowledge; Not observed at significant frequency in large population cohorts (gnomAD); This variant is associated with the following publications: (PMID: 27721487)

NM_016222.4(DDX41):c.1401C>G (p.Asp467Glu)

Gene: DDX41 (DEAD-box helicase 41; minus strand). Cytogenetic location: 5q35.3.
Variant type: single nucleotide variant.
Coding change: c.1401C>G on transcript NM_016222.4 (MANE Select); coding-DNA position 1401, C replaced by G.
Protein change: p.Asp467Glu; replaces aspartic acid 467 with glutamic acid.
Molecular consequence: missense variant.
Genome position (GRCh38, 1-based): chr5:177,512,644, G>C on the plus strand (C>G on the coding strand, the complement: DDX41 is on the minus strand). VCF-style: chr5-177512644-G-C. GRCh37 (hg19) VCF-style: chr5-176939645-G-C.
Other names: c.1023C>G, p.Asp341Glu (NM_001321732.2, NM_001321830.2); short protein forms D341E, D467E.
Identifiers: ClinVar variation 3368782 (VCV003368782.1).